The following is an entry in ClinVar:

ClinVar aggregate classification (germline): Pathogenic (1 of 4 stars; one submission).

Conditions:
Schimke immuno-osseous dysplasia (SIOD). Also called: Schimke Immunoosseous Dysplasia. Identifiers: Orphanet 1830, MedGen C0877024, MONDO:0009458, OMIM 242900.

Submission:

Labcorp Genetics (formerly Invitae), Labcorp
Classification: Pathogenic for Schimke immuno-osseous dysplasia. Last evaluated: 2022-05-21. Review status: criteria provided, single submitter. Criteria: Invitae Variant Classification Sherloc (09022015). Collection method: clinical testing. Allele origin: germline.
Comment: This sequence change creates a premature translational stop signal (p.Tyr612*) in the SMARCAL1 gene. It is expected to result in an absent or disrupted protein product. Loss-of-function variants in SMARCAL1 are known to be pathogenic (PMID: 11799392, 20301550). This variant is not present in population databases (gnomAD no frequency). This variant has not been reported in the literature in individuals affected with SMARCAL1-related conditions. For these reasons, this variant has been classified as Pathogenic.

Literature cited by the submitters: PubMed 11799392; PubMed 20301550.

NM_014140.4(SMARCAL1):c.1836C>A (p.Tyr612Ter)

Gene: SMARCAL1 (SNF2 related chromatin remodeling annealing helicase 1; plus strand). Cytogenetic location: 2q35.
Variant type: single nucleotide variant.
Coding change: c.1836C>A on transcript NM_014140.4 (MANE Select); coding-DNA position 1836, C replaced by A.
Protein change: p.Tyr612Ter; replaces tyrosine 612 with a stop codon.
Molecular consequence: nonsense.
Genome position (GRCh38, 1-based): chr2:216,447,143, C>A. VCF-style: chr2-216447143-C-A. GRCh37 (hg19) VCF-style: chr2-217311866-C-A.
Other names: c.1836C>A, p.Tyr612Ter (NM_001127207.2); short protein forms Y612*.
Identifiers: ClinVar variation 1997731 (VCV001997731.4), dbSNP rs1694335489, ClinGen allele CA350501849.